The following is an entry in ClinVar:

ClinVar aggregate classification (germline): Uncertain significance (1 of 4 stars; one submission).

Submission:

Labcorp Genetics (formerly Invitae), Labcorp
Classification: Uncertain significance. Last evaluated: 2022-09-19. Review status: criteria provided, single submitter. Criteria: Invitae Variant Classification Sherloc (09022015). Collection method: clinical testing. Allele origin: germline.
Comment: In summary, the available evidence is currently insufficient to determine the role of this variant in disease. Therefore, it has been classified as a Variant of Uncertain Significance. Algorithms developed to predict the effect of missense changes on protein structure and function (SIFT, PolyPhen-2, Align-GVGD) all suggest that this variant is likely to be tolerated. This variant has not been reported in the literature in individuals affected with ROR1-related conditions. This variant is not present in population databases (gnomAD no frequency). This sequence change replaces proline, which is neutral and non-polar, with threonine, which is neutral and polar, at codon 461 of the ROR1 protein (p.Pro461Thr).

NM_005012.4(ROR1):c.1381C>A (p.Pro461Thr)

Gene: ROR1 (receptor tyrosine kinase like orphan receptor 1; plus strand). Cytogenetic location: 1p31.3.
Variant type: single nucleotide variant.
Coding change: c.1381C>A on transcript NM_005012.4 (MANE Select); coding-DNA position 1381, C replaced by A.
Protein change: p.Pro461Thr; replaces proline 461 with threonine.
Molecular consequence: missense variant.
Genome position (GRCh38, 1-based): chr1:64,159,187, C>A. VCF-style: chr1-64159187-C-A. GRCh37 (hg19) VCF-style: chr1-64624870-C-A.
Other names: short protein forms P461T.
Identifiers: ClinVar variation 2006662 (VCV002006662.4), dbSNP rs2525133518, ClinGen allele CA340654284.
Genomic context (GRCh38, chr1:64,159,187, plus strand): 5'-AGGCAACCAAAACACGTCAGAGGTCAAAATGTAGAGATGTCAATGCTGAATGCATATAAA[C>A]CCAAGGTAATGTTAGCAGTACAGAGCTACATTTGTTCCGTGGGCTTCAAGTTAAAGCACC-3'
Protein context (NP_005003.2, residues 451-471): VEMSMLNAYK[Pro461Thr]KSKAKELPLS